The following is an entry in ClinVar:

NM_006767.4(LZTR1):c.617G>A (p.Gly206Asp)

Gene: LZTR1 (leucine zipper like post translational regulator 1; plus strand). Cytogenetic location: 22q11.21.
Variant type: single nucleotide variant.
Coding change: c.617G>A on transcript NM_006767.4 (MANE Select); coding-DNA position 617, G replaced by A.
Protein change: p.Gly206Asp; replaces glycine 206 with aspartic acid.
Molecular consequence: missense variant.
Genome position (GRCh38, 1-based): chr22:20,989,648, G>A. VCF-style: chr22-20989648-G-A. GRCh37 (hg19) VCF-style: chr22-21343937-G-A.
Other names: c.617G>A (NM_006767.3); short protein forms G206D.
Identifiers: ClinVar variation 2913457 (VCV002913457.4), dbSNP rs1488468848, ClinGen allele CA410780323.

ClinVar aggregate classification (germline): Uncertain significance. Review status: criteria provided, multiple submitters, no conflicts (2 of 4 stars). 2 submissions from 2 submitters: Uncertain significance (2). Last evaluated 2025-08-06.

Conditions:
Hereditary cancer-predisposing syndrome. Also called: Hereditary Cancer Syndrome; Tumor predisposition; Hereditary neoplastic syndrome; Neoplastic Syndromes, Hereditary. Identifiers: Orphanet 140162, MedGen C0027672, MeSH D009386, MONDO:0015356.
Cardiovascular phenotype. Identifiers: MedGen CN230736.

Allele frequency attached by ClinVar (database versions not stated): gnomAD exomes below 0.00001; TOPMed below 0.00001; gnomAD 0.00001.

Submissions (2):

Labcorp Genetics (formerly Invitae), Labcorp
Classification: Uncertain significance. Last evaluated: 2025-08-06. Review status: criteria provided, single submitter. Criteria: Invitae Variant Classification Sherloc (09022015). Collection method: clinical testing. Allele origin: germline.
Comment: This sequence change replaces glycine, which is neutral and non-polar, with aspartic acid, which is acidic and polar, at codon 206 of the LZTR1 protein (p.Gly206Asp). This variant is present in population databases (no rsID available, gnomAD 0.004%). This variant has not been reported in the literature in individuals affected with LZTR1-related conditions. ClinVar contains an entry for this variant (Variation ID: 2913457). Invitae Evidence Modeling of protein sequence and biophysical properties (such as structural, functional, and spatial information, amino acid conservation, physicochemical variation, residue mobility, and thermodynamic stability) indicates that this missense variant is not expected to disrupt LZTR1 protein function with a negative predictive value of 80%. In summary, the available evidence is currently insufficient to determine the role of this variant in disease. Therefore, it has been classified as a Variant of Uncertain Significance.

Ambry Genetics
Classification: Uncertain significance for Cardiovascular phenotype; Hereditary cancer-predisposing syndrome. Last evaluated: 2024-11-03. Review status: criteria provided, single submitter. Criteria: Ambry Variant Classification Scheme 2023. Collection method: clinical testing. Allele origin: germline.
Comment: The p.G206D variant (also known as c.617G>A), located in coding exon 7 of the LZTR1 gene, results from a G to A substitution at nucleotide position 617. The glycine at codon 206 is replaced by aspartic acid, an amino acid with similar properties. This amino acid position is conserved. In addition, this alteration is predicted to be tolerated by in silico analysis. Based on the available evidence, the clinical significance of this variant remains unclear.